The following is an entry in ClinVar:

ClinVar aggregate classification (germline): Pathogenic. Review status: criteria provided, multiple submitters, no conflicts (2 of 4 stars). 2 submissions from 2 submitters: Pathogenic (2). Last evaluated 2026-01-27.

Conditions:
Deficiency of galactokinase. Also called: Galactokinase deficiency with cataracts; GALACTOSEMIA II. Identifiers: Orphanet 352, Orphanet 79237, MedGen C0268155, MONDO:0009255, OMIM 230200.

Allele frequency attached by ClinVar (database versions not stated): TOPMed below 0.00001; gnomAD 0.00001.

Submissions (2):

Myriad Genetics, Inc.
Classification: Pathogenic for Deficiency of galactokinase. Last evaluated: 2026-01-27. Review status: criteria provided, single submitter. Criteria: Myriad Autosomal Dominant, Autosomal Recessive and X-Linked Classification Criteria (2023). Collection method: clinical testing. Allele origin: unknown.
Comment: NM_000154.1(GALK1):c.1059delG(T354Hfs*?) is a readthrough frameshift variant classified as pathogenic in the context of galactokinase deficiency. T354Hfs*? has not been observed in cases with relevant disease. Relevant functional assessments of this variant are not available in the literature. T354Hfs*? has not been observed in referenced population frequency databases. In summary, NM_000154.1(GALK1):c.1059delG(T354Hfs*?) is a readthrough frameshift variant in a gene where loss of function is a known mechanism of disease and is predicted to disrupt protein function. Please note: this variant was assessed in the context of healthy population screening.

Labcorp Genetics (formerly Invitae), Labcorp
Classification: Pathogenic for Deficiency of galactokinase. Last evaluated: 2023-09-05. Review status: criteria provided, single submitter. Criteria: Invitae Variant Classification Sherloc (09022015). Collection method: clinical testing. Allele origin: germline.
Comment: For these reasons, this variant has been classified as Pathogenic. ClinVar contains an entry for this variant (Variation ID: 1368188). Algorithms developed to predict the effect of sequence changes on RNA splicing suggest that this variant may create or strengthen a splice site. This variant disrupts a region of the GALK1 protein in which other variant(s) (p.Gln382*) have been determined to be pathogenic (PMID: 10790206). This suggests that this is a clinically significant region of the protein, and that variants that disrupt it are likely to be disease-causing. This sequence change results in a frameshift in the GALK1 gene (p.Thr354Hisfs*). While this is not anticipated to result in nonsense mediated decay, it is expected to disrupt the last 39 amino acid(s) of the GALK1 protein and extend the protein by an uncertain number of additional amino acid residues. This variant is not present in population databases (gnomAD no frequency). This variant has not been reported in the literature in individuals affected with GALK1-related conditions.

Literature cited by the submitters: PubMed 10790206 (cited by Labcorp Genetics (formerly Invitae), Labcorp).

NM_000154.2(GALK1):c.1059del (p.Thr354fs)

Gene: GALK1 (galactokinase 1; minus strand). Cytogenetic location: 17q25.1.
Variant type: Deletion.
Coding change: c.1059del on transcript NM_000154.2 (MANE Select); coding-DNA position 1059, one base deleted (G; older notation c.1059delG).
Protein change: p.Thr354fs; shifts the reading frame from threonine 354.
Molecular consequence: frameshift variant.
Genome position (GRCh38, 1-based): chr17:75,758,258, C deleted on the plus strand (G on the coding strand, the reverse complement: GALK1 is on the minus strand). VCF-style (leftmost placement, unchanged base first): chr17-75758257-TC-T. GRCh37 (hg19) VCF-style: chr17-73754338-TC-T.
Other names: c.1059del, p.Thr354fs (NM_001381985.1); short protein forms T354fs.
Identifiers: ClinVar variation 1368188 (VCV001368188.9), dbSNP rs2061564118, ClinGen allele CA986341144.